The following is an entry in ClinVar:

NM_001130965.3(SUN1):c.852-7C>G

Gene: SUN1 (Sad1 and UNC84 domain containing 1; plus strand). Cytogenetic location: 7p22.3.
Variant type: single nucleotide variant.
Coding change: c.852-7C>G on transcript NM_001130965.3 (MANE Select); 7 bases into the intron before coding-DNA position 852, C replaced by G.
Molecular consequence: intron variant.
Genome position (GRCh38, 1-based): chr7:852,602, C>G. VCF-style: chr7-852602-C-G. GRCh37 (hg19) VCF-style: chr7-892239-C-G.
Other names: c.852-7C>G (NM_001367634.1, NM_001367633.1, NM_001367653.1 and 3 more transcripts); c.1266-7C>G (NM_001367651.1); c.879-7C>G (NM_001367669.1); c.1245-7C>G (NM_001367705.1, NM_001367703.1, NM_001367678.1 and 2 more transcripts); c.1146-7C>G (NM_001367690.1); c.1134-7C>G (NM_001367641.1, NM_001367682.1, NM_001367698.1); c.1035-7C>G (NM_001367676.1, NM_001367675.1, NM_001367640.1); c.1161-7C>G (NM_001367692.1, NM_001367677.1); and 24 more.
Identifiers: ClinVar variation 1017750 (VCV001017750.10), dbSNP rs372242822, ClinGen allele CA4111961.
Genomic context (GRCh38, chr7:852,602, plus strand): 5'-GGAAAACAGATTGGTGAACCCTGACTTTCATTTTTTCTAAGTCAAAGGTTTTCATTGTTA[C>G]TCCCAGGTGCCTTCGAAACATCTGCAAGTTTTTAGTCTTGCTCATCCCACTCTTCCTTTT-3'

ClinVar aggregate classification (germline): Uncertain significance (1 of 4 stars; one submission).

Conditions:
Emery-Dreifuss muscular dystrophy (EDMD). Also called: Scapuloperoneal syndrome, X-linked (formerly); Humeroperoneal neuromuscular disease, (formerly). Identifiers: Orphanet 261, MedGen C0410189, MONDO:0016830.

Allele frequency attached by ClinVar (database versions not stated): gnomAD 0.00001; TOPMed 0.00001; ESP Exome Variant Server 0.00008.
gnomAD v4.1: 32 of 1,614,198 alleles (0.002%); highest among the groups gnomAD compares: Middle Eastern, 0.016%; no homozygotes.

Submission:

Labcorp Genetics (formerly Invitae), Labcorp
Classification: Uncertain significance for Emery-Dreifuss muscular dystrophy. Last evaluated: 2024-01-23. Review status: criteria provided, single submitter. Criteria: Invitae Variant Classification Sherloc (09022015). Collection method: clinical testing. Allele origin: germline.
Comment: This sequence change falls in intron 7 of the SUN1 gene. It does not directly change the encoded amino acid sequence of the SUN1 protein. This variant is present in population databases (rs372242822, gnomAD 0.007%). This variant has not been reported in the literature in individuals affected with SUN1-related conditions. ClinVar contains an entry for this variant (Variation ID: 1017750). Algorithms developed to predict the effect of sequence changes on RNA splicing suggest that this variant may disrupt the consensus splice site. In summary, the available evidence is currently insufficient to determine the role of this variant in disease. Therefore, it has been classified as a Variant of Uncertain Significance.